The following is an entry in ClinVar:

ClinVar aggregate classification (germline): Uncertain significance. Review status: criteria provided, multiple submitters, no conflicts (2 of 4 stars). 2 submissions from 2 submitters: Uncertain significance (2). Last evaluated 2024-01-17.

Conditions:
Congenital heart defects, dysmorphic facial features, and intellectual developmental disorder (CHDFIDD). Identifiers: Orphanet 646278, MedGen C4479246, MONDO:0044302, OMIM 617360.

gnomAD v4.1: 1 of 1,300,544 alleles (0.000077%); highest among the groups gnomAD compares: Non-Finnish European, 0.000097%; no homozygotes.

Submissions (2):

Labcorp Genetics (formerly Invitae), Labcorp
Classification: Uncertain significance. Last evaluated: 2024-01-17. Review status: criteria provided, single submitter. Criteria: Invitae Variant Classification Sherloc (09022015). Collection method: clinical testing. Allele origin: germline.
Comment: This sequence change replaces arginine, which is basic and polar, with glycine, which is neutral and non-polar, at codon 203 of the CDK13 protein (p.Arg203Gly). This variant is not present in population databases (gnomAD no frequency). This variant has not been reported in the literature in individuals affected with CDK13-related conditions. ClinVar contains an entry for this variant (Variation ID: 1353111). Advanced modeling of protein sequence and biophysical properties (such as structural, functional, and spatial information, amino acid conservation, physicochemical variation, residue mobility, and thermodynamic stability) performed at Invitae indicates that this missense variant is not expected to disrupt CDK13 protein function with a negative predictive value of 95%. In summary, the available evidence is currently insufficient to determine the role of this variant in disease. Therefore, it has been classified as a Variant of Uncertain Significance.

Laboratorio de Genetica e Diagnostico Molecular, Hospital Israelita Albert Einstein
Classification: Uncertain significance for Congenital heart defects, dysmorphic facial features, and intellectual developmental disorder. Last evaluated: 2023-04-06. Review status: criteria provided, single submitter. Criteria: ACMG Guidelines, 2015. Collection method: clinical testing. Allele origin: germline. Affected: yes.
Comment: ACMG classification criteria: PM2 moderate, BP4 supporting

NM_003718.5(CDK13):c.607C>G (p.Arg203Gly)

Genes: CDK13 (cyclin dependent kinase 13; plus strand), LOC129998293 (ATAC-STARR-seq lymphoblastoid silent region 18116; plus strand). Cytogenetic location: 7p14.1.
Variant type: single nucleotide variant.
Coding change: c.607C>G on transcript NM_003718.5 (MANE Select); coding-DNA position 607, C replaced by G.
Protein change: p.Arg203Gly; replaces arginine 203 with glycine.
Molecular consequence: missense variant.
Genome position (GRCh38, 1-based): chr7:39,951,248, C>G. VCF-style: chr7-39951248-C-G. GRCh37 (hg19) VCF-style: chr7-39990847-C-G.
Other names: c.607C>G, p.Arg203Gly (NM_031267.4); short protein forms R203G.
Identifiers: ClinVar variation 1353111 (VCV001353111.7), dbSNP rs1583892640, ClinGen allele CA367310083.